The following is an entry in ClinVar:

ClinVar aggregate classification (germline): Uncertain significance (1 of 4 stars; one submission).

Submission:

Labcorp Genetics (formerly Invitae), Labcorp
Classification: Uncertain significance. Last evaluated: 2021-09-28. Review status: criteria provided, single submitter. Criteria: Invitae Variant Classification Sherloc (09022015). Collection method: clinical testing. Allele origin: germline.
Comment: This variant has not been reported in the literature in individuals affected with DDR2-related conditions. This variant is not present in population databases (ExAC no frequency). This sequence change replaces tyrosine with cysteine at codon 471 of the DDR2 protein (p.Tyr471Cys). The tyrosine residue is highly conserved and there is a large physicochemical difference between tyrosine and cysteine. Algorithms developed to predict the effect of missense changes on protein structure and function are either unavailable or do not agree on the potential impact of this missense change (SIFT: "Deleterious"; PolyPhen-2: "Possibly Damaging"; Align-GVGD: "Class C0"). In summary, the available evidence is currently insufficient to determine the role of this variant in disease. Therefore, it has been classified as a Variant of Uncertain Significance.

NM_006182.4(DDR2):c.1412A>G (p.Tyr471Cys)

Gene: DDR2 (discoidin domain receptor tyrosine kinase 2; plus strand). Cytogenetic location: 1q23.3.
Variant type: single nucleotide variant.
Coding change: c.1412A>G on transcript NM_006182.4 (MANE Select); coding-DNA position 1412, A replaced by G.
Protein change: p.Tyr471Cys; replaces tyrosine 471 with cysteine.
Molecular consequence: missense variant.
Genome position (GRCh38, 1-based): chr1:162,770,420, A>G. VCF-style: chr1-162770420-A-G. GRCh37 (hg19) VCF-style: chr1-162740210-A-G.
Other names: c.1412A>G, p.Tyr471Cys (NM_001014796.3, NM_001354982.2, NM_001354983.2); short protein forms Y471C.
Identifiers: ClinVar variation 1487956 (VCV001487956.6), dbSNP rs2102181201, ClinGen allele CA343411177.